The following is an entry in ClinVar:

NM_001134363.3(RBM20):c.2565_2570del (p.Gln856_Glu857del)

Gene: RBM20 (RNA binding motif protein 20; plus strand). Cytogenetic location: 10q25.2.
Variant type: Deletion.
Coding change: c.2565_2570del on transcript NM_001134363.3 (MANE Select); coding-DNA positions 2565 to 2570, 6 bases deleted (ACAGGA; older notation c.2565_2570delACAGGA).
Protein change: p.Gln856_Glu857del.
Genome position (GRCh38, 1-based): chr10:110,820,086-110,820,091, ACAGGA deleted; deleting any 6 consecutive bases within chr10:110,820,082-110,820,091 gives the same sequence; the c. name uses the placement nearest the transcript's 3' end. VCF-style (leftmost placement, unchanged base first): chr10-110820081-GAGGAAC-G. GRCh37 (hg19) VCF-style: chr10-112579839-GAGGAAC-G.
Other names: c.2565_2570del (NM_001134363.2); c.2561_2566delAGGAAC (NM_001134363.1).
Identifiers: ClinVar variation 43992 (VCV000043992.22), dbSNP rs397516603, ClinGen allele CA133322.
Genomic context (GRCh38, chr10:110,820,081, plus strand): 5'-CCTGTCACTGCTCACTGTTGATTTGGTTTGCTCTGTTCTTCCTTTGATAAGGCTGGAAAA[GAGGAAC>G]AGGAGGGCATGGAAGAAAGCCCTCAATCAGTGGGCAGACAGGAGAAAGAAGCAGAGTTCT-3'

ClinVar aggregate classification (germline): Conflicting classifications of pathogenicity. Review status: criteria provided, conflicting classifications (1 of 4 stars). 6 submissions from 6 submitters: Uncertain significance (1); Likely benign (5). Last evaluated 2026-01-07.

Conditions:
Cardiovascular phenotype. Identifiers: MedGen CN230736.
Dilated cardiomyopathy 1DD (CMD1DD). Identifiers: Orphanet 154, MedGen C2750995, MONDO:0013168, OMIM 613172.
Hypertrophic cardiomyopathy. Also called: HYPERTROPHIC MYOCARDIOPATHY. Identifiers: Orphanet 217569, MedGen C0007194, MeSH D002312, MONDO:0005045, HP:0001639.

Submissions (6):

Labcorp Genetics (formerly Invitae), Labcorp
Classification: Likely benign for Dilated cardiomyopathy 1DD. Last evaluated: 2026-01-07. Review status: criteria provided, single submitter. Criteria: Invitae Variant Classification Sherloc (09022015). Collection method: clinical testing. Allele origin: germline.

Blueprint Genetics
Classification: Likely benign. Last evaluated: 2024-11-25. Review status: criteria provided, single submitter. Criteria: ACMG Guidelines, 2015. Collection method: clinical testing. Allele origin: germline.

Women's Health and Genetics/Laboratory Corporation of America, LabCorp
Classification: Likely benign. Last evaluated: 2021-10-02. Review status: criteria provided, single submitter. Criteria: LabCorp Variant Classification Summary - May 2015. Collection method: clinical testing. Allele origin: germline.

Ambry Genetics
Classification: Likely benign for Cardiovascular phenotype. Last evaluated: 2020-10-23. Review status: criteria provided, single submitter. Criteria: Ambry Variant Classification Scheme 2023. Collection method: clinical testing. Allele origin: germline.

Center for Advanced Laboratory Medicine, UC San Diego Health, University of California San Diego
Classification: Likely benign for Hypertrophic cardiomyopathy. Last evaluated: 2017-07-06. Review status: criteria provided, single submitter. Criteria: ACMG Guidelines, 2015. Collection method: clinical testing. Allele origin: germline. Affected: yes. Observed: 1 variant allele.

Laboratory for Molecular Medicine, Mass General Brigham Personalized Medicine
Classification: Uncertain significance. Last evaluated: 2012-11-09. Review status: criteria provided, single submitter. Criteria: LMM Criteria. Collection method: clinical testing. Allele origin: germline. Observed: 2 variant alleles.
Comment: Variant classified as Uncertain Significance - Favor Benign. This variant creates an in-frame deletion of 2 amino acids but the impact of this deletion on the protein remains unknown. In summar y, additional information is needed to fully assess the clinical significance of the Gln856_Glu857del variant.